The following is an entry in ClinVar:

ClinVar aggregate classification (germline): Conflicting classifications of pathogenicity. Review status: criteria provided, conflicting classifications (1 of 4 stars). 2 submissions from 2 submitters: Pathogenic (1); Uncertain significance (1). Last evaluated 2023-08-14.

Submissions (2):

Labcorp Genetics (formerly Invitae), Labcorp
Classification: Pathogenic. Last evaluated: 2023-08-14. Review status: criteria provided, single submitter. Criteria: Invitae Variant Classification Sherloc (09022015). Collection method: clinical testing. Allele origin: germline.
Comment: This sequence change replaces isoleucine, which is neutral and non-polar, with phenylalanine, which is neutral and non-polar, at codon 651 of the TCF12 protein (p.Ile651Phe). This variant is not present in population databases (gnomAD no frequency). This missense change has been observed in individual(s) with clinical features of TCF12-related craniosynostosis (Invitae). In at least one individual the variant was observed to be de novo. Advanced modeling of protein sequence and biophysical properties (such as structural, functional, and spatial information, amino acid conservation, physicochemical variation, residue mobility, and thermodynamic stability) performed at Invitae indicates that this missense variant is expected to disrupt TCF12 protein function. For these reasons, this variant has been classified as Pathogenic.

Blueprint Genetics
Classification: Uncertain significance. Last evaluated: 2021-05-21. Review status: criteria provided, single submitter. Criteria: ACMG Guidelines, 2015. Collection method: clinical testing. Allele origin: germline.

NM_207037.2(TCF12):c.1951A>T (p.Ile651Phe)

Gene: TCF12 (transcription factor 12; plus strand). Cytogenetic location: 15q21.3.
Variant type: single nucleotide variant.
Coding change: c.1951A>T on transcript NM_207037.2 (MANE Select); coding-DNA position 1951, A replaced by T.
Protein change: p.Ile651Phe; replaces isoleucine 651 with phenylalanine.
Molecular consequence: missense variant.
Genome position (GRCh38, 1-based): chr15:57,273,235, A>T. VCF-style: chr15-57273235-A-T. GRCh37 (hg19) VCF-style: chr15-57565433-A-T.
Other names: c.1441A>T, p.Ile481Phe (NM_001306219.3); c.1171A>T, p.Ile391Phe (NM_001306220.3); c.1951A>T, p.Ile651Phe (NM_001322151.2, NM_001322159.3, NM_001322162.2 and 1 more transcripts); c.1948A>T, p.Ile650Phe (NM_001322152.2, NM_001322161.2); c.1294A>T, p.Ile432Phe (NM_001322154.2); c.1777A>T, p.Ile593Phe (NM_001322156.2); c.1879A>T, p.Ile627Phe (NM_001322157.3, NM_001322165.2, NM_003205.4 and 1 more transcripts); c.1705A>T, p.Ile569Phe (NM_001322158.2); and 2 more; short protein forms I391F, I432F, I481F, I650F, I457F, I569F, I639F, I593F.
Identifiers: ClinVar variation 2720028 (VCV002720028.4), dbSNP rs2551501427, ClinGen allele CA392593227.
Genomic context (GRCh38, chr15:57,273,235, plus strand): 5'-CACTTGAAGAGTGAAAAACCCCAAACAAAACTCCTTATTCTTCATCAAGCCGTGGCAGTC[A>T]TCCTTAGTCTAGAACAGCAAGTCAGAGGTAAGTAGGTTCAGCCGAGATGTATAACTGTTC-3'
Protein context (NP_996920.1, residues 641-661): LLILHQAVAV[Ile651Phe]LSLEQQVRER